The following is an entry in ClinVar:

ClinVar aggregate classification (germline): Uncertain significance. Review status: criteria provided, multiple submitters, no conflicts (2 of 4 stars). 2 submissions from 2 submitters: Uncertain significance (2). Last evaluated 2024-03-24.

Conditions:
Pitt-Hopkins-like syndrome 2 (PTHSL2). Identifiers: Orphanet 221150, Orphanet 600663, MedGen C3280479, MONDO:0013690, OMIM 614325.

Allele frequency attached by ClinVar (database versions not stated): gnomAD exomes 0.00001 and 0.00003; ExAC 0.00002; gnomAD 0.00003 and 0.00005; TOPMed 0.00004.
gnomAD v4.1: 23 of 1,605,124 alleles (0.0014%); highest among the groups gnomAD compares: East Asian, 0.029%; no homozygotes.

Submissions (2):

Labcorp Genetics (formerly Invitae), Labcorp
Classification: Uncertain significance for Pitt-Hopkins-like syndrome 2. Last evaluated: 2024-03-24. Review status: criteria provided, single submitter. Criteria: Invitae Variant Classification Sherloc (09022015). Collection method: clinical testing. Allele origin: germline.
Comment: This sequence change replaces asparagine, which is neutral and polar, with serine, which is neutral and polar, at codon 274 of the NRXN1 protein (p.Asn274Ser). This variant is present in population databases (rs759434607, gnomAD 0.04%). This variant has not been reported in the literature in individuals affected with NRXN1-related conditions. ClinVar contains an entry for this variant (Variation ID: 449074). Algorithms developed to predict the effect of missense changes on protein structure and function output the following: SIFT: "Not Available"; PolyPhen-2: "Benign"; Align-GVGD: "Not Available". The serine amino acid residue is found in multiple mammalian species, which suggests that this missense change does not adversely affect protein function. In summary, the available evidence is currently insufficient to determine the role of this variant in disease. Therefore, it has been classified as a Variant of Uncertain Significance.

GeneDx
Classification: Uncertain significance. Last evaluated: 2017-09-08. Review status: criteria provided, single submitter. Criteria: GeneDx Variant Classification (06012015). Collection method: clinical testing. Allele origin: germline. Affected: yes.
Comment: A variant of uncertain significance has been identified in the NRXN1 gene. The N274S variant has not been published as a pathogenic variant, nor has it been reported as a benign variant to our knowledge. The N274S variant is not observed at a significant frequency in large population cohorts (Lek et al., 2016; 1000 Genomes Consortium et al., 2015; Exome Variant Server). The N274S variant is a conservative amino acid substitution, which is not likely to impact secondary protein structure as these residues share similar properties. This substitution occurs at a position that is not conserved, and in silico analysis predicts this variant likely does not alter the protein structure/function. Based on the currently available information, it is unclear whether this variant is a pathogenic variant or a rare benign variant.

NM_001330078.2(NRXN1):c.772+1081A>G

Gene: NRXN1 (neurexin 1; minus strand). Cytogenetic location: 2p16.3.
Variant type: single nucleotide variant.
Coding change: c.772+1081A>G on transcript NM_001330078.2 (MANE Select); 1081 bases into the intron after coding-DNA position 772, A replaced by G.
Molecular consequence: intron variant. On other transcripts: missense variant (1).
Genome position (GRCh38, 1-based): chr2:51,026,421, T>C on the plus strand (A>G on the coding strand, the complement: NRXN1 is on the minus strand). VCF-style: chr2-51026421-T-C. GRCh37 (hg19) VCF-style: chr2-51253559-T-C.
Other names: c.821A>G, p.Asn274Ser (NM_001135659.3); c.772+1081A>G (NM_001330096.2, NM_001330087.2, NM_001330083.2 and 14 more transcripts); short protein forms N274S.
Identifiers: ClinVar variation 449074 (VCV000449074.7), dbSNP rs759434607, ClinGen allele CA1655388.